The following is an entry in ClinVar:

ClinVar aggregate classification (germline): Uncertain significance (1 of 4 stars; one submission).

Conditions:
EP300-related disorder. Also called: EP300-related condition; EP300-related disorders.

gnomAD v4.1: 10 of 1,614,098 alleles (0.00062%); highest among the groups gnomAD compares: Middle Eastern, 0.016%; no homozygotes.

Submission:

PreventionGenetics, part of Exact Sciences
Classification: Uncertain significance for EP300-related condition. Last evaluated: 2025-01-29. Review status: criteria provided, single submitter. Criteria: ACMG Guidelines, 2015. Collection method: clinical testing. Allele origin: germline.
Comment: The EP300 c.1649T>C variant is predicted to result in the amino acid substitution p.Val550Ala. To our knowledge, this variant has not been reported in the literature. This variant is reported in 0.013% of alleles in individuals of South Asian descent in gnomAD. At this time, the clinical significance of this variant is uncertain due to the absence of conclusive functional and genetic evidence.

NM_001429.4(EP300):c.1649T>C (p.Val550Ala)

Gene: EP300 (EP300 lysine acetyltransferase; plus strand). Cytogenetic location: 22q13.2.
Variant type: single nucleotide variant.
Coding change: c.1649T>C on transcript NM_001429.4 (MANE Select); coding-DNA position 1649, T replaced by C.
Protein change: p.Val550Ala; replaces valine 550 with alanine.
Molecular consequence: missense variant.
Genome position (GRCh38, 1-based): chr22:41,137,679, T>C. VCF-style: chr22-41137679-T-C. GRCh37 (hg19) VCF-style: chr22-41533683-T-C.
Other names: c.1649T>C, p.Val550Ala (NM_001362843.2); short protein forms V550A.
Identifiers: ClinVar variation 4998610 (VCV004998610.1).